The following is an entry in ClinVar:

ClinVar aggregate classification (germline): Uncertain significance. Review status: criteria provided, multiple submitters, no conflicts (2 of 4 stars). 2 submissions from 2 submitters: Uncertain significance (2). Last evaluated 2025-06-03.

Allele frequency attached by ClinVar (database versions not stated): gnomAD exomes below 0.00001; TOPMed below 0.00001.

Submissions (2):

Labcorp Genetics (formerly Invitae), Labcorp
Classification: Uncertain significance. Last evaluated: 2025-06-03. Review status: criteria provided, single submitter. Criteria: Invitae Variant Classification Sherloc (09022015). Collection method: clinical testing. Allele origin: germline.
Comment: This sequence change replaces leucine, which is neutral and non-polar, with proline, which is neutral and non-polar, at codon 984 of the DCHS1 protein (p.Leu984Pro). This variant is not present in population databases (gnomAD no frequency). This variant has not been reported in the literature in individuals affected with DCHS1-related conditions. ClinVar contains an entry for this variant (Variation ID: 3026865). Invitae Evidence Modeling of protein sequence and biophysical properties (such as structural, functional, and spatial information, amino acid conservation, physicochemical variation, residue mobility, and thermodynamic stability) indicates that this missense variant is not expected to disrupt DCHS1 protein function with a negative predictive value of 80%. In summary, the available evidence is currently insufficient to determine the role of this variant in disease. Therefore, it has been classified as a Variant of Uncertain Significance.

CeGaT Center for Human Genetics Tuebingen
Classification: Uncertain significance. Last evaluated: 2024-01-01. Review status: criteria provided, single submitter. Criteria: CeGaT Center For Human Genetics Tuebingen Variant Classification Criteria Version 2. Collection method: clinical testing. Allele origin: germline. Affected: yes. Observed: 1 variant allele.
Comment: DCHS1: PM2

NM_003737.4(DCHS1):c.2951T>C (p.Leu984Pro)

Gene: DCHS1 (dachsous cadherin-related 1; minus strand). Cytogenetic location: 11p15.4.
Variant type: single nucleotide variant.
Coding change: c.2951T>C on transcript NM_003737.4 (MANE Select); coding-DNA position 2951, T replaced by C.
Protein change: p.Leu984Pro; replaces leucine 984 with proline.
Molecular consequence: missense variant.
Genome position (GRCh38, 1-based): chr11:6,632,561, A>G on the plus strand (T>C on the coding strand, the complement: DCHS1 is on the minus strand). VCF-style: chr11-6632561-A-G. GRCh37 (hg19) VCF-style: chr11-6653792-A-G.
Other names: short protein forms L984P.
Identifiers: ClinVar variation 3026865 (VCV003026865.23), dbSNP rs866210220, ClinGen allele CA217299349.
Genomic context (GRCh38, chr11:6,632,561, plus strand): 5'-GTAGGGCTGTTGAATCGGGGAGCCAGCCCACGGGTTCCCACATCCTGTACCACCACCCGT[A>G]GTCGAAAGTGGCTGGTGCGTGGTGGGGAGCCCCCATCCCGGGCCTCCAGCTCCAGCTCAT-3'
Protein context (NP_003728.1, residues 974-994): GSPPRTSHFR[Leu984Pro]RVVVQDVGTR